The following is an entry in ClinVar:

ClinVar aggregate classification (germline): Pathogenic. Review status: criteria provided, single submitter (1 of 4 stars). 2 submissions from 2 submitters: Pathogenic (1). 1 of the submissions does not count toward it. Last evaluated 2025-08-22.

Conditions:
Alstrom syndrome (ALMS). Identifiers: Orphanet 64, MedGen C0268425, MONDO:0008763, OMIM 203800.

Submissions (2):

Natera, Inc.
Classification: Pathogenic for Alstrom syndrome. Last evaluated: 2025-08-22. Review status: criteria provided, single submitter. Criteria: Natera Variant Classification Schema (03/2026). Collection method: clinical testing. Allele origin: germline.
Comment: The c.5929C>T variant in ALMS1 is a nonsense variant predicted to introduce a stop codon at amino acid 1977. This variant is expected to result in nonsense mediated decay, truncation, or a dysfunctional protein product. This variant is rare in the general population with a frequency below the threshold expected for the associated phenotype(s). This variant has been observed in one or more individuals affected with the associated recessive disease, as either homozygous or compound heterozygous with a second variant (PMID: 30064963). Additionally, this variant has been observed to segregate in affected family members (PMID: 30064963). Given the available evidence, this variant is classified as Pathogenic.

Laboratory of Genetics in Ophthalmology, Institut Imagine
Classification: Pathogenic for Alstrom syndrome. Review status: no assertion criteria provided. Collection method: research. Allele origin: inherited. Affected: yes. Observed: 1 variant allele. Not counted in ClinVar's aggregate classification.

Literature cited by the submitters: PubMed 30064963 (cited by Natera, Inc.); PubMed 25846608 (cited by Laboratory of Genetics in Ophthalmology, Institut Imagine).

NM_001378454.1(ALMS1):c.5926C>T (p.Gln1976Ter)

Gene: ALMS1 (ALMS1 centrosome and basal body associated protein; plus strand). Cytogenetic location: 2p13.1.
Variant type: single nucleotide variant.
Coding change: c.5926C>T on transcript NM_001378454.1 (MANE Select); coding-DNA position 5926, C replaced by T.
Protein change: p.Gln1976Ter; replaces glutamine 1976 with a stop codon.
Molecular consequence: nonsense.
Genome position (GRCh38, 1-based): chr2:73,452,453, C>T. VCF-style: chr2-73452453-C-T. GRCh37 (hg19) VCF-style: chr2-73679580-C-T.
Other names: c.5929C>T, p.Gln1977Ter (NM_015120.4); short protein forms Q1976*, Q1977*.
Identifiers: ClinVar variation 977951 (VCV000977951.2), dbSNP rs533606326, ClinGen allele CA347283949.